The following is an entry in ClinVar:

NM_003059.3(SLC22A4):c.613A>G (p.Met205Val)

Genes: MIR3936HG (MIR3936 host gene; minus strand), SLC22A4 (solute carrier family 22 member 4; plus strand). Cytogenetic location: 5q31.1.
Variant type: single nucleotide variant.
Coding change: c.613A>G on transcript NM_003059.3 (MANE Select); coding-DNA position 613, A replaced by G.
Protein change: p.Met205Val; replaces methionine 205 with valine.
Molecular consequence: missense variant.
Genome position (GRCh38, 1-based): chr5:132,313,729, A>G. VCF-style: chr5-132313729-A-G. GRCh37 (hg19) VCF-style: chr5-131649422-A-G.
Other names: short protein forms M205V.
Identifiers: ClinVar variation 2810081 (VCV002810081.3), dbSNP rs2531995957, ClinGen allele CA360804063.
Genomic context (GRCh38, chr5:132,313,729, plus strand): 5'-TTCCTGCAGATTTTCTCCATCAGCTGGGAGATGTTCACTGTGTTATTTGTCATCGTGGGC[A>G]TGGGCCAGATCTCCAACTATGTGGTAGCCTTCATACTAGGTAGGAATGGCTTCTGGGACA-3'
Protein context (NP_003050.2, residues 195-215): MFTVLFVIVG[Met205Val]GQISNYVVAF

ClinVar aggregate classification (germline): Uncertain significance (1 of 4 stars; one submission).

Submission:

Labcorp Genetics (formerly Invitae), Labcorp
Classification: Uncertain significance. Last evaluated: 2023-05-10. Review status: criteria provided, single submitter. Criteria: Invitae Variant Classification Sherloc (09022015). Collection method: clinical testing. Allele origin: germline.
Comment: In summary, the available evidence is currently insufficient to determine the role of this variant in disease. Therefore, it has been classified as a Variant of Uncertain Significance. This variant is not present in population databases (gnomAD no frequency). This sequence change replaces methionine, which is neutral and non-polar, with valine, which is neutral and non-polar, at codon 205 of the SLC22A4 protein (p.Met205Val). This variant has not been reported in the literature in individuals affected with SLC22A4-related conditions. Advanced modeling of protein sequence and biophysical properties (such as structural, functional, and spatial information, amino acid conservation, physicochemical variation, residue mobility, and thermodynamic stability) performed at Invitae indicates that this missense variant is not expected to disrupt SLC22A4 protein function.